The following is an entry in ClinVar:

NM_001370298.3(FGD4):c.2345T>C (p.Val782Ala)

Gene: FGD4 (FYVE, RhoGEF and PH domain containing 4; plus strand). Cytogenetic location: 12p11.21.
Variant type: single nucleotide variant.
Coding change: c.2345T>C on transcript NM_001370298.3 (MANE Select); coding-DNA position 2345, T replaced by C.
Protein change: p.Val782Ala; replaces valine 782 with alanine.
Molecular consequence: missense variant.
Genome position (GRCh38, 1-based): chr12:32,638,686, T>C. VCF-style: chr12-32638686-T-C. GRCh37 (hg19) VCF-style: chr12-32791620-T-C.
Other names: c.2189T>C, p.Val730Ala (NM_001304481.2); c.1190T>C, p.Val397Ala (NM_001304483.2); c.902T>C, p.Val301Ala (NM_001304484.2); c.1655T>C, p.Val552Ala (NM_001330373.2, NM_001330374.2, NM_001384130.1); c.1382T>C, p.Val461Ala (NM_001370297.1); c.2345T>C, p.Val782Ala (NM_001384126.1); c.1934T>C, p.Val645Ala (NM_001384127.1, NM_001384128.1, NM_001385118.1 and 1 more transcripts); short protein forms V461A, V730A, V301A, V397A, V552A, V645A, V782A.
Identifiers: ClinVar variation 657543 (VCV000657543.6), dbSNP rs1296247975, ClinGen allele CA384371957.

ClinVar aggregate classification (germline): Uncertain significance (1 of 4 stars; one submission).

Conditions:
Charcot-Marie-Tooth disease type 4. Also called: Charcot-Marie-Tooth, Type 4; Charcot-Marie-Tooth disease, type IV. Identifiers: Orphanet 64749, MedGen C4082197, MONDO:0018995.

Allele frequency attached by ClinVar (database versions not stated): gnomAD exomes below 0.00001.
gnomAD v4.1: 1 of 1,614,168 alleles (0.000062%); no homozygotes.

Submission:

Labcorp Genetics (formerly Invitae), Labcorp
Classification: Uncertain significance for Charcot-Marie-Tooth disease type 4. Last evaluated: 2021-11-14. Review status: criteria provided, single submitter. Criteria: Invitae Variant Classification Sherloc (09022015). Collection method: clinical testing. Allele origin: germline.
Comment: In summary, the available evidence is currently insufficient to determine the role of this variant in disease. Therefore, it has been classified as a Variant of Uncertain Significance. Algorithms developed to predict the effect of missense changes on protein structure and function (SIFT, PolyPhen-2, Align-GVGD) all suggest that this variant is likely to be tolerated. ClinVar contains an entry for this variant (Variation ID: 657543). This variant has not been reported in the literature in individuals affected with FGD4-related conditions. This variant is present in population databases (no rsID available, gnomAD 0.003%). This sequence change replaces valine, which is neutral and non-polar, with alanine, which is neutral and non-polar, at codon 645 of the FGD4 protein (p.Val645Ala).